The following is an entry in ClinVar:

ClinVar aggregate classification (germline): Benign. Review status: criteria provided, multiple submitters, no conflicts (2 of 4 stars). 2 submissions from 2 submitters: Benign (2). Last evaluated 2018-06-13.

Allele frequency attached by ClinVar (database versions not stated): 1000 Genomes Project 0.01318; 1000 Genomes Project 30x 0.01374; TOPMed 0.03223; gnomAD 0.03746 and 0.03856; ESP Exome Variant Server 0.03925.
gnomAD v4.1: 80,422 of 1,605,216 alleles (5%); highest among the groups gnomAD compares: Non-Finnish European, 5.8%; 2,378 homozygotes.

Submissions (2):

GeneDx
Classification: Benign. Last evaluated: 2018-06-13. Review status: criteria provided, single submitter. Criteria: GeneDx Variant Classification (06012015). Collection method: clinical testing. Allele origin: germline. Affected: yes.
Comment: This variant is considered likely benign or benign based on one or more of the following criteria: it is a conservative change, it occurs at a poorly conserved position in the protein, it is predicted to be benign by multiple in silico algorithms, and/or has population frequency not consistent with disease.

Breakthrough Genomics
Classification: Benign. Review status: criteria provided, single submitter. Criteria: ACMG Guidelines, 2015. Collection method: not provided. Allele origin: germline. Inheritance: Autosomal recessive inheritance. Affected: yes.

NM_031475.3(ESPN):c.990+27C>T

Gene: ESPN (espin; plus strand). Cytogenetic location: 1p36.31.
Variant type: single nucleotide variant.
Coding change: c.990+27C>T on transcript NM_031475.3 (MANE Select); 27 bases into the intron after coding-DNA position 990, C replaced by T.
Molecular consequence: intron variant.
Genome position (GRCh38, 1-based): chr1:6,441,092, C>T. VCF-style: chr1-6441092-C-T. GRCh37 (hg19) VCF-style: chr1-6501152-C-T.
Other names: c.990+27C>T (NM_001367474.1, NM_001367473.1).
Identifiers: ClinVar variation 682925 (VCV000682925.2), dbSNP rs55884073, ClinGen allele CA560061.
Genomic context (GRCh38, chr1:6,441,092, plus strand): 5'-CTGCACCCGCTACCTGCGCACGGTGGAGAACCTGGTACGATCCCTGAGCTGCTCCTGTCG[C>T]ATTCTTTCTTCTCGCCCCTCCACCCCAGTGGTGGGTGTCGTCACCCCTTTTACCAAGGAG-3'